The following is an entry in ClinVar:

ClinVar aggregate classification (germline): Likely pathogenic (1 of 4 stars; one submission).

Conditions:
Infantile neuroaxonal dystrophy (NBIA2A). Also called: NEURODEGENERATION WITH BRAIN IRON ACCUMULATION 2A; SEITELBERGER DISEASE; Infantile neuroaxonal dystrophy 1. Identifiers: Orphanet 35069, MedGen C0270724, MONDO:0024457, OMIM 256600.

Submission:

Labcorp Genetics (formerly Invitae), Labcorp
Classification: Likely pathogenic for Infantile neuroaxonal dystrophy. Last evaluated: 2024-04-16. Review status: criteria provided, single submitter. Criteria: Invitae Variant Classification Sherloc (09022015). Collection method: clinical testing. Allele origin: germline.
Comment: This sequence change replaces methionine, which is neutral and non-polar, with leucine, which is neutral and non-polar, at codon 544 of the PLA2G6 protein (p.Met544Leu). This variant is not present in population databases (gnomAD no frequency). This variant has not been reported in the literature in individuals affected with PLA2G6-related conditions. ClinVar contains an entry for this variant (Variation ID: 2017072). Advanced modeling of protein sequence and biophysical properties (such as structural, functional, and spatial information, amino acid conservation, physicochemical variation, residue mobility, and thermodynamic stability) performed at Invitae indicates that this missense variant is not expected to disrupt PLA2G6 protein function with a negative predictive value of 80%. This variant disrupts the p.Met544 amino acid residue in PLA2G6. Other variant(s) that disrupt this residue have been determined to be pathogenic (Invitae). This suggests that this residue is clinically significant, and that variants that disrupt this residue are likely to be disease-causing. In summary, the currently available evidence indicates that the variant is pathogenic, but additional data are needed to prove that conclusively. Therefore, this variant has been classified as Likely Pathogenic.

NM_003560.4(PLA2G6):c.1630A>T (p.Met544Leu)

Gene: PLA2G6 (phospholipase A2 group VI; minus strand). Cytogenetic location: 22q13.1.
Variant type: single nucleotide variant.
Coding change: c.1630A>T on transcript NM_003560.4 (MANE Select); coding-DNA position 1630, A replaced by T.
Protein change: p.Met544Leu; replaces methionine 544 with leucine.
Molecular consequence: missense variant.
Genome position (GRCh38, 1-based): chr22:38,120,871, T>A on the plus strand (A>T on the coding strand, the complement: PLA2G6 is on the minus strand). VCF-style: chr22-38120871-T-A. GRCh37 (hg19) VCF-style: chr22-38516878-T-A.
Other names: c.934A>T, p.Met312Leu (NM_001349869.2); c.1468A>T, p.Met490Leu (NM_001004426.3, NM_001199562.3, NM_001349865.2 and 1 more transcripts); c.1630A>T, p.Met544Leu (NM_001349864.2); c.1096A>T, p.Met366Leu (NM_001349867.2); c.952A>T, p.Met318Leu (NM_001349868.2); short protein forms M312L, M544L, M366L, M490L, M318L.
Identifiers: ClinVar variation 2017072 (VCV002017072.4), dbSNP rs2517951819, ClinGen allele CA411527571.